The following is an entry in ClinVar:

NM_001114.5(ADCY7):c.2799C>T (p.Ile933=)

Genes: ADCY7 (adenylate cyclase 7; plus strand), LOC126862342 (MED14-independent group 3 enhancer GRCh37_chr16:50347343-50348542; plus strand). Cytogenetic location: 16q12.1.
Variant type: single nucleotide variant.
Coding change: c.2799C>T on transcript NM_001114.5 (MANE Select); coding-DNA position 2799, C replaced by T.
Protein change: p.Ile933=; no amino-acid change (isoleucine 933 retained).
Molecular consequence: synonymous variant.
Genome position (GRCh38, 1-based): chr16:50,314,005, C>T. VCF-style: chr16-50314005-C-T. GRCh37 (hg19) VCF-style: chr16-50347916-C-T.
Other names: c.2799C>T (NM_001114.3).
Identifiers: ClinVar variation 2646507 (VCV002646507.25), dbSNP rs148103395, ClinGen allele CA8049531.

ClinVar aggregate classification (germline): Likely benign. Review status: criteria provided, multiple submitters, no conflicts (2 of 4 stars). 2 submissions from 2 submitters: Likely benign (2). Last evaluated 2025-08-19.

Allele frequency attached by ClinVar (database versions not stated): ESP Exome Variant Server 0.00015; gnomAD 0.00017; gnomAD exomes 0.00020; ExAC 0.00025; 1000 Genomes Project 30x 0.00031; 1000 Genomes Project 0.00040.
gnomAD v4.1: 320 of 1,614,182 alleles (0.02%); highest among the groups gnomAD compares: East Asian, 0.094%; no homozygotes.

Submissions (2):

Ambry Genetics
Classification: Likely benign. Last evaluated: 2025-08-19. Review status: criteria provided, single submitter. Criteria: Ambry Variant Classification Scheme 2023. Collection method: clinical testing. Allele origin: germline.

CeGaT Center for Human Genetics Tuebingen
Classification: Likely benign. Last evaluated: 2022-08-01. Review status: criteria provided, single submitter. Criteria: CeGaT Center For Human Genetics Tuebingen Variant Classification Criteria Version 2. Collection method: clinical testing. Allele origin: germline. Affected: yes. Observed: 1 variant allele.
Comment: ADCY7: BP4, BP7